The following is an entry in ClinVar:

NM_213599.3(ANO5):c.2139C>T (p.Thr713=)

Gene: ANO5 (anoctamin 5; plus strand). Cytogenetic location: 11p14.3.
Variant type: single nucleotide variant.
Coding change: c.2139C>T on transcript NM_213599.3 (MANE Select); coding-DNA position 2139, C replaced by T.
Protein change: p.Thr713=; no amino-acid change (threonine 713 retained).
Molecular consequence: synonymous variant.
Genome position (GRCh38, 1-based): chr11:22,272,893, C>T. VCF-style: chr11-22272893-C-T. GRCh37 (hg19) VCF-style: chr11-22294439-C-T.
Other names: c.2136C>T, p.Thr712= (NM_001142649.2).
Identifiers: ClinVar variation 304105 (VCV000304105.16), dbSNP rs767479331, ClinGen allele CA5923464.

ClinVar aggregate classification (germline): Conflicting classifications of pathogenicity. Review status: criteria provided, conflicting classifications (1 of 4 stars). 5 submissions from 5 submitters: Uncertain significance (1); Likely benign (3). 1 of the submissions does not count toward it. Last evaluated 2024-09-12.

Conditions:
Gnathodiaphyseal dysplasia (GDD). Also called: GNATHODIAPHYSEAL SCLEROSIS; OSTEOGENESIS IMPERFECTA WITH UNUSUAL SKELETAL LESIONS. Identifiers: Orphanet 53697, MedGen C1833736, MONDO:0008151, OMIM 166260.
Autosomal recessive limb-girdle muscular dystrophy type 2L (LGMDR12). Also called: Limb-Girdle Muscular Dystrophy R12 Anoctamin-5-Related (LGMD-R12); Limb-girdle muscular dystrophy, type 2L; MUSCULAR DYSTROPHY, LIMB-GIRDLE, AUTOSOMAL RECESSIVE 12. Identifiers: Orphanet 206549, MedGen C1969785, MONDO:0012652, OMIM 611307.
ANO5-related disorder. Also called: ANO5-related disorders; ANO5-related condition. Identifiers: MedGen CN239193.
ANO5-Related Muscle Diseases. Identifiers: MedGen CN180644.

Allele frequency attached by ClinVar (database versions not stated): gnomAD exomes below 0.00001 and 0.00001; ExAC 0.00001; gnomAD 0.00001; TOPMed 0.00002.
gnomAD v4.1: 4 of 1,613,876 alleles (0.00025%); highest among the groups gnomAD compares: East Asian, 0.0045%; no homozygotes.

Submissions (5):

Labcorp Genetics (formerly Invitae), Labcorp
Classification: Likely benign for Autosomal recessive limb-girdle muscular dystrophy type 2L; Gnathodiaphyseal dysplasia. Last evaluated: 2024-09-12. Review status: criteria provided, single submitter. Criteria: Invitae Variant Classification Sherloc (09022015). Collection method: clinical testing. Allele origin: germline.

Blueprint Genetics
Classification: Likely benign. Last evaluated: 2024-06-21. Review status: criteria provided, single submitter. Criteria: ACMG Guidelines, 2015. Collection method: clinical testing. Allele origin: germline.

Illumina Laboratory Services, Illumina
Classification: Uncertain significance for ANO5-Related Muscle Diseases. Last evaluated: 2018-01-13. Review status: criteria provided, single submitter. Criteria: ICSL Variant Classification Criteria 13 December 2019. Collection method: clinical testing. Allele origin: germline.

GeneDx
Classification: Likely benign. Last evaluated: 2017-06-02. Review status: criteria provided, single submitter. Criteria: GeneDx Variant Classification (06012015). Collection method: clinical testing. Allele origin: germline. Affected: yes.
Comment: This variant is considered likely benign or benign based on one or more of the following criteria: it is a conservative change, it occurs at a poorly conserved position in the protein, it is predicted to be benign by multiple in silico algorithms, and/or has population frequency not consistent with disease.

PreventionGenetics, part of Exact Sciences
Classification: Likely benign for ANO5-related condition. Last evaluated: 2019-02-21. Review status: no assertion criteria provided. Collection method: clinical testing. Allele origin: germline. Not counted in ClinVar's aggregate classification.
Comment: This variant is classified as likely benign based on ACMG/AMP sequence variant interpretation guidelines (Richards et al. 2015 PMID: 25741868, with internal and published modifications).